The following is an entry in ClinVar:

NM_001195263.2(PDZD7):c.2564A>C (p.Asn855Thr)

Gene: PDZD7 (PDZ domain containing 7; minus strand). Cytogenetic location: 10q24.31.
Variant type: single nucleotide variant.
Coding change: c.2564A>C on transcript NM_001195263.2 (MANE Select); coding-DNA position 2564, A replaced by C.
Protein change: p.Asn855Thr; replaces asparagine 855 with threonine.
Molecular consequence: missense variant.
Genome position (GRCh38, 1-based): chr10:101,010,325, T>G on the plus strand (A>C on the coding strand, the complement: PDZD7 is on the minus strand). VCF-style: chr10-101010325-T-G. GRCh37 (hg19) VCF-style: chr10-102770082-T-G.
Other names: short protein forms N855T.
Identifiers: ClinVar variation 44129 (VCV000044129.26), dbSNP rs807023, ClinGen allele CA133635.

ClinVar aggregate classification (germline): Benign. Review status: criteria provided, multiple submitters, no conflicts (2 of 4 stars). 11 submissions from 10 submitters: Benign (9). 2 of the submissions do not count toward it. Last evaluated 2026-02-04.

Conditions:
Hearing loss, autosomal recessive 57. Also called: DEAFNESS, AUTOSOMAL RECESSIVE 57. Identifiers: MedGen C4693893, MONDO:0033201, OMIM 618003.
Usher syndrome type 2C. Also called: Usher syndrome, type 2B; USHER SYNDROME, TYPE IIC. Identifiers: Orphanet 231178, Orphanet 886, MedGen C2931213, MONDO:0011558, OMIM 605472.

Allele frequency attached by ClinVar (database versions not stated): 1000 Genomes Project 30x 0.77264; ExAC 0.81221; 1000 Genomes Project 0.77296; gnomAD exomes 0.81454 and 0.83713; TOPMed 0.81663.
gnomAD v4.1: 1,281,360 of 1,535,802 alleles (83%); highest among the groups gnomAD compares: Non-Finnish European, 85%; 535,835 homozygotes.

Submissions (11):

Labcorp Genetics (formerly Invitae), Labcorp
Classification: Benign. Last evaluated: 2026-02-04. Review status: criteria provided, single submitter. Criteria: Invitae Variant Classification Sherloc (09022015). Collection method: clinical testing. Allele origin: germline.

Genome-Nilou Lab
Classification: Benign for Hearing loss, autosomal recessive 57. Last evaluated: 2021-09-05. Review status: criteria provided, single submitter. Criteria: ACMG Guidelines, 2015. Collection method: clinical testing. Allele origin: germline. Affected: no.

Genome-Nilou Lab
Classification: Benign for Usher syndrome type 2C. Last evaluated: 2021-09-05. Review status: criteria provided, single submitter. Criteria: ACMG Guidelines, 2015. Collection method: clinical testing. Allele origin: germline. Affected: no.

Mayo Clinic Laboratories, Mayo Clinic
Classification: Benign. Last evaluated: 2020-08-31. Review status: criteria provided, single submitter. Criteria: ACMG Guidelines, 2015. Collection method: clinical testing. Allele origin: germline. Observed: 155 variant alleles.

GeneDx
Classification: Benign. Last evaluated: 2018-04-02. Review status: criteria provided, single submitter. Criteria: GeneDx Variant Classification (06012015). Collection method: clinical testing. Allele origin: germline. Affected: yes.
Comment: This variant is considered likely benign or benign based on one or more of the following criteria: it is a conservative change, it occurs at a poorly conserved position in the protein, it is predicted to be benign by multiple in silico algorithms, and/or has population frequency not consistent with disease.

Eurofins Ntd Llc (ga)
Classification: Benign. Last evaluated: 2014-07-02. Review status: criteria provided, single submitter. Criteria: EGL Classification Definitions 2015. Collection method: clinical testing. Allele origin: germline. Observed: 3 variant alleles, 3 homozygotes.

Laboratory for Molecular Medicine, Mass General Brigham Personalized Medicine
Classification: Benign. Last evaluated: 2012-05-07. Review status: criteria provided, single submitter. Criteria: LMM Criteria. Collection method: clinical testing. Allele origin: germline. Observed: 497 variant alleles.
Comment: Asn855Thr in Exon 15 of PDZD7: This variant is not expected to have clinical sig nificance because it has been identified in 40.7% (35/86) of chromosomes from a population in the dbSNP database (rs80 7023).

Breakthrough Genomics
Classification: Benign. Review status: criteria provided, single submitter. Criteria: ACMG Guidelines, 2015. Collection method: not provided. Allele origin: germline. Inheritance: Autosomal recessive inheritance. Affected: yes.

PreventionGenetics, part of Exact Sciences
Classification: Benign. Review status: criteria provided, single submitter. Criteria: ACMG Guidelines, 2015. Collection method: clinical testing. Allele origin: germline.

Diagnostic Laboratory, Department of Genetics, University Medical Center Groningen
Classification: Benign. Review status: no assertion criteria provided. Collection method: clinical testing. Allele origin: germline. Affected: yes. Study: VKGL Data-share Consensus. Not counted in ClinVar's aggregate classification.

Joint Genome Diagnostic Labs from Nijmegen and Maastricht, Radboudumc and MUMC+
Classification: Benign. Review status: no assertion criteria provided. Collection method: clinical testing. Allele origin: germline. Affected: yes. Study: VKGL Data-share Consensus. Not counted in ClinVar's aggregate classification.